The following is an entry in ClinVar:

NM_000742.4(CHRNA2):c.1535G>T (p.Cys512Phe)

Gene: CHRNA2 (cholinergic receptor nicotinic alpha 2 subunit; minus strand). Cytogenetic location: 8p21.2.
Variant type: single nucleotide variant.
Coding change: c.1535G>T on transcript NM_000742.4 (MANE Select); coding-DNA position 1535, G replaced by T.
Protein change: p.Cys512Phe; replaces cysteine 512 with phenylalanine.
Molecular consequence: missense variant.
Genome position (GRCh38, 1-based): chr8:27,461,684, C>A on the plus strand (G>T on the coding strand, the complement: CHRNA2 is on the minus strand). VCF-style: chr8-27461684-C-A. GRCh37 (hg19) VCF-style: chr8-27319201-C-A.
Other names: c.1490G>T, p.Cys497Phe (NM_001282455.2); c.1058G>T, p.Cys353Phe (NM_001347705.2, NM_001347706.2); c.941G>T, p.Cys314Phe (NM_001347707.2, NM_001347708.2); short protein forms C353F, C314F, C497F, C512F.
Identifiers: ClinVar variation 2012179 (VCV002012179.4), dbSNP rs1354748998, ClinGen allele CA370806913.

ClinVar aggregate classification (germline): Uncertain significance (1 of 4 stars; one submission).

Conditions:
Familial sleep-related hypermotor epilepsy. Also called: Autosomal Dominant Sleep-Related Hypermotor (Hyperkinetic) Epilepsy. Identifiers: Orphanet 98784, MedGen C3696898, MONDO:0000030.

Allele frequency attached by ClinVar (database versions not stated): TOPMed 0.00002.

Submission:

Labcorp Genetics (formerly Invitae), Labcorp
Classification: Uncertain significance. Last evaluated: 2022-08-21. Review status: criteria provided, single submitter. Criteria: Invitae Variant Classification Sherloc (09022015). Collection method: clinical testing. Allele origin: germline.
Comment: This sequence change replaces cysteine, which is neutral and slightly polar, with phenylalanine, which is neutral and non-polar, at codon 512 of the CHRNA2 protein (p.Cys512Phe). This variant is not present in population databases (gnomAD no frequency). This variant has not been reported in the literature in individuals affected with CHRNA2-related conditions. Advanced modeling of protein sequence and biophysical properties (such as structural, functional, and spatial information, amino acid conservation, physicochemical variation, residue mobility, and thermodynamic stability) performed at Invitae indicates that this missense variant is not expected to disrupt CHRNA2 protein function. In summary, the available evidence is currently insufficient to determine the role of this variant in disease. Therefore, it has been classified as a Variant of Uncertain Significance.